The following is an entry in ClinVar:

NM_194248.3(OTOF):c.4782C>T (p.Ile1594=)

Gene: OTOF (otoferlin; minus strand). Cytogenetic location: 2p23.3.
Variant type: single nucleotide variant.
Coding change: c.4782C>T on transcript NM_194248.3 (MANE Select); coding-DNA position 4782, C replaced by T.
Protein change: p.Ile1594=; no amino-acid change (isoleucine 1594 retained).
Molecular consequence: synonymous variant.
Genome position (GRCh38, 1-based): chr2:26,465,689, G>A on the plus strand (C>T on the coding strand, the complement: OTOF is on the minus strand). VCF-style: chr2-26465689-G-A. GRCh37 (hg19) VCF-style: chr2-26688557-G-A.
Other names: c.4782C>T (NM_194248.2); c.4782C>T, p.Ile1594= (NM_001287489.2); c.2481C>T, p.Ile827= (NM_004802.4, NM_194323.3); c.2712C>T, p.Ile904= (NM_194322.3).
Identifiers: ClinVar variation 1648108 (VCV001648108.10), dbSNP rs765847178, ClinGen allele CA1563047.

ClinVar aggregate classification (germline): Likely benign. Review status: criteria provided, single submitter (1 of 4 stars). 2 submissions from 2 submitters: Likely benign (1). 1 of the submissions does not count toward it. Last evaluated 2021-04-04.

Conditions:
OTOF-related disorder. Also called: OTOF-related condition.

Allele frequency attached by ClinVar (database versions not stated): gnomAD exomes 0.00001 and 0.00003; TOPMed 0.00001; gnomAD 0.00002 and 0.00003; ExAC 0.00005.
gnomAD v4.1: 14 of 1,614,262 alleles (0.00087%); highest among the groups gnomAD compares: African/African-American, 0.0053%; no homozygotes.

Submissions (2):

Labcorp Genetics (formerly Invitae), Labcorp
Classification: Likely benign. Last evaluated: 2021-04-04. Review status: criteria provided, single submitter. Criteria: Invitae Variant Classification Sherloc (09022015). Collection method: clinical testing. Allele origin: germline.

PreventionGenetics, part of Exact Sciences
Classification: Likely benign for OTOF-related condition. Last evaluated: 2019-11-16. Review status: no assertion criteria provided. Collection method: clinical testing. Allele origin: germline. Not counted in ClinVar's aggregate classification.
Comment: This variant is classified as likely benign based on ACMG/AMP sequence variant interpretation guidelines (Richards et al. 2015 PMID: 25741868, with internal and published modifications).